The following is an entry in ClinVar:

ClinVar aggregate classification (germline): Uncertain significance (1 of 4 stars; one submission).

Submission:

Ambry Genetics
Classification: Uncertain significance. Last evaluated: 2023-11-10. Review status: criteria provided, single submitter. Criteria: Ambry Variant Classification Scheme 2023. Collection method: clinical testing. Allele origin: germline.
Comment: The p.T2237S variant (also known as c.6709A>T), located in coding exon 22 of the POLQ gene, results from an A to T substitution at nucleotide position 6709. The threonine at codon 2237 is replaced by serine, an amino acid with similar properties. This amino acid position is conserved. In addition, the in silico prediction for this alteration is inconclusive. Since supporting evidence is limited at this time, the clinical significance of this alteration remains unclear.

NM_199420.4(POLQ):c.6709A>T (p.Thr2237Ser)

Gene: POLQ (DNA polymerase theta; minus strand). Cytogenetic location: 3q13.33.
Variant type: single nucleotide variant.
Coding change: c.6709A>T on transcript NM_199420.4 (MANE Select); coding-DNA position 6709, A replaced by T.
Protein change: p.Thr2237Ser; replaces threonine 2237 with serine.
Molecular consequence: missense variant.
Genome position (GRCh38, 1-based): chr3:121,471,999, T>A on the plus strand (A>T on the coding strand, the complement: POLQ is on the minus strand). VCF-style: chr3-121471999-T-A. GRCh37 (hg19) VCF-style: chr3-121190846-T-A.
Other names: short protein forms T2237S.
Identifiers: ClinVar variation 3230118 (VCV003230118.1), dbSNP rs2546773261, ClinGen allele CA354085137.